The following is an entry in ClinVar:

NM_001015877.2(PHF6):c.834+87A>G

Gene: PHF6 (PHD finger protein 6; plus strand). Cytogenetic location: Xq26.2.
Variant type: single nucleotide variant.
Coding change: c.834+87A>G on transcript NM_001015877.2 (MANE Select); 87 bases into the intron after coding-DNA position 834, A replaced by G.
Molecular consequence: intron variant. On other transcripts: synonymous variant (1).
Genome position (GRCh38, 1-based): chrX:134,415,207, A>G. VCF-style: chrX-134415207-A-G. GRCh37 (hg19) VCF-style: chrX-133549237-A-G.
Other names: c.924A>G, p.Ser308= (NM_032335.3); c.834+87A>G (NM_032458.3).
Identifiers: ClinVar variation 2661475 (VCV002661475.25), dbSNP rs920718081, ClinGen allele CA644578110.

ClinVar aggregate classification (germline): Likely benign. Review status: criteria provided, single submitter (1 of 4 stars). 2 submissions from 2 submitters: Likely benign (1). 1 of the submissions does not count toward it. Last evaluated 2023-08-01.

Conditions:
PHF6-related disorder. Also called: PHF6-related condition.

Allele frequency attached by ClinVar (database versions not stated): TOPMed 0.00001; gnomAD 0.00003.
gnomAD v4.1: 12 of 1,201,805 alleles (0.001%); highest among the groups gnomAD compares: African/African-American, 0.0017%; no homozygotes.

Submissions (2):

CeGaT Center for Human Genetics Tuebingen
Classification: Likely benign. Last evaluated: 2023-08-01. Review status: criteria provided, single submitter. Criteria: CeGaT Center For Human Genetics Tuebingen Variant Classification Criteria Version 2. Collection method: clinical testing. Allele origin: germline. Affected: yes. Observed: 1 variant allele.
Comment: PHF6: BP4, BP7

PreventionGenetics, part of Exact Sciences
Classification: Likely benign for PHF6-related condition. Last evaluated: 2020-03-19. Review status: no assertion criteria provided. Collection method: clinical testing. Allele origin: germline. Not counted in ClinVar's aggregate classification.
Comment: This variant is classified as likely benign based on ACMG/AMP sequence variant interpretation guidelines (Richards et al. 2015 PMID: 25741868, with internal and published modifications).